The following is an entry in ClinVar:

NM_052854.4(CREB3L1):c.701T>C (p.Met234Thr)

Gene: CREB3L1 (cAMP responsive element binding protein 3 like 1; plus strand). Cytogenetic location: 11p11.2.
Variant type: single nucleotide variant.
Coding change: c.701T>C on transcript NM_052854.4 (MANE Select); coding-DNA position 701, T replaced by C.
Protein change: p.Met234Thr; replaces methionine 234 with threonine.
Molecular consequence: missense variant.
Genome position (GRCh38, 1-based): chr11:46,311,137, T>C. VCF-style: chr11-46311137-T-C. GRCh37 (hg19) VCF-style: chr11-46332688-T-C.
Other names: short protein forms M234T.
Identifiers: ClinVar variation 1358579 (VCV001358579.8), dbSNP rs891692942, ClinGen allele CA221597930.

ClinVar aggregate classification (germline): Uncertain significance (1 of 4 stars; one submission).

Allele frequency attached by ClinVar (database versions not stated): gnomAD exomes below 0.00001; gnomAD 0.00001 and 0.00002; TOPMed 0.00001.
gnomAD v4.1: 3 of 1,605,030 alleles (0.00019%); highest among the groups gnomAD compares: African/African-American, 0.004%; no homozygotes.

Submission:

Labcorp Genetics (formerly Invitae), Labcorp
Classification: Uncertain significance. Last evaluated: 2022-02-05. Review status: criteria provided, single submitter. Criteria: Invitae Variant Classification Sherloc (09022015). Collection method: clinical testing. Allele origin: germline.
Comment: This sequence change replaces methionine, which is neutral and non-polar, with threonine, which is neutral and polar, at codon 234 of the CREB3L1 protein (p.Met234Thr). This variant is not present in population databases (gnomAD no frequency). In summary, the available evidence is currently insufficient to determine the role of this variant in disease. Therefore, it has been classified as a Variant of Uncertain Significance. Algorithms developed to predict the effect of missense changes on protein structure and function output the following: SIFT: "Tolerated"; PolyPhen-2: "Benign"; Align-GVGD: "Class C0". The threonine amino acid residue is found in multiple mammalian species, which suggests that this missense change does not adversely affect protein function. This variant has not been reported in the literature in individuals affected with CREB3L1-related conditions.